The following is an entry in ClinVar:

ClinVar aggregate classification (germline): Uncertain significance. Review status: criteria provided, multiple submitters, no conflicts (2 of 4 stars). 3 submissions from 3 submitters: Uncertain significance (3). Last evaluated 2025-09-28.

Conditions:
Malignant hyperthermia, susceptibility to, 1 (MHS1). Also called: RYR1-Related Malignant Hyperthermia Susceptibility; Malignant hyperthermia suceptibility 1; Anesthesia related hyperthermia; Malignant hyperpyrexia; Fulminating hyperpyrexia; Pharmacogenic myopathy. Identifiers: Orphanet 423, MedGen C2930980, MONDO:0007783, OMIM 145600.
RYR1-related disorder. Also called: RYR1-related disorders; RYR1-related condition. Identifiers: MedGen CN239331.

Allele frequency attached by ClinVar (database versions not stated): gnomAD exomes below 0.00001; ExAC 0.00001; gnomAD 0.00002; TOPMed 0.00002.
gnomAD v4.1: 6 of 1,613,858 alleles (0.00037%); highest among the groups gnomAD compares: Non-Finnish European, 0.00051%; no homozygotes.

Submissions (3):

Labcorp Genetics (formerly Invitae), Labcorp
Classification: Uncertain significance for RYR1-related disorder. Last evaluated: 2025-09-28. Review status: criteria provided, single submitter. Criteria: Invitae Variant Classification Sherloc (09022015). Collection method: clinical testing. Allele origin: germline.
Comment: This sequence change replaces proline, which is neutral and non-polar, with arginine, which is basic and polar, at codon 695 of the RYR1 protein (p.Pro695Arg). This variant is present in population databases (rs756620310, gnomAD 0.002%). This variant has not been reported in the literature in individuals affected with RYR1-related conditions. ClinVar contains an entry for this variant (Variation ID: 1024968). Invitae Evidence Modeling of protein sequence and biophysical properties (such as structural, functional, and spatial information, amino acid conservation, physicochemical variation, residue mobility, and thermodynamic stability) indicates that this missense variant is expected to disrupt RYR1 protein function with a positive predictive value of 95%. In summary, the available evidence is currently insufficient to determine the role of this variant in disease. Therefore, it has been classified as a Variant of Uncertain Significance.

Color Diagnostics, LLC DBA Color Health
Classification: Uncertain significance for Malignant hyperthermia, susceptibility to, 1. Last evaluated: 2025-06-29. Review status: criteria provided, single submitter. Criteria: ACMG Guidelines, 2015. Collection method: clinical testing. Allele origin: germline.
Comment: This missense variant replaces proline with arginine at codon 695 of the RYR1 protein. Computational prediction suggests that this variant may have deleterious impact on protein structure and function. To our knowledge, functional studies have not been reported for this variant. This variant has not been reported in individuals affected with RYR1-related disorders in the literature. This variant has been identified in 2/281172 chromosomes in the general population by the Genome Aggregation Database (gnomAD). The available evidence is insufficient to determine the role of this variant in disease conclusively. Therefore, this variant is classified as a Variant of Uncertain Significance.

PreventionGenetics, part of Exact Sciences
Classification: Uncertain significance for RYR1-related condition. Last evaluated: 2023-01-30. Review status: criteria provided, single submitter. Criteria: ACMG Guidelines, 2015. Collection method: clinical testing. Allele origin: germline.
Comment: The RYR1 c.2084C>G variant is predicted to result in the amino acid substitution p.Pro695Arg. To our knowledge, this variant has not been reported in the literature. This variant is reported in 0.0016% of alleles in individuals of European (Non-Finnish) descent in gnomAD. At this time, the clinical significance of this variant is uncertain due to the absence of conclusive functional and genetic evidence.

NM_000540.3(RYR1):c.2084C>G (p.Pro695Arg)

Gene: RYR1 (ryanodine receptor 1; plus strand). Cytogenetic location: 19q13.2.
Variant type: single nucleotide variant.
Coding change: c.2084C>G on transcript NM_000540.3 (MANE Select); coding-DNA position 2084, C replaced by G.
Protein change: p.Pro695Arg; replaces proline 695 with arginine.
Molecular consequence: missense variant.
Genome position (GRCh38, 1-based): chr19:38,458,209, C>G. VCF-style: chr19-38458209-C-G. GRCh37 (hg19) VCF-style: chr19-38948849-C-G.
Other names: c.2084C>G, p.Pro695Arg (NM_001042723.2); c.2084C>G (NM_000540.2); short protein forms P695R.
Identifiers: ClinVar variation 1024968 (VCV001024968.7), dbSNP rs756620310, ClinGen allele CA062807.